The following is an entry in ClinVar:

NM_001286445.3(RIPOR2):c.1662G>A (p.Glu554=)

Gene: RIPOR2 (RHO family interacting cell polarization regulator 2; minus strand). Cytogenetic location: 6p22.3.
Variant type: single nucleotide variant.
Coding change: c.1662G>A on transcript NM_001286445.3 (MANE Select); coding-DNA position 1662, G replaced by A.
Protein change: p.Glu554=; no amino-acid change (glutamic acid 554 retained).
Molecular consequence: synonymous variant.
Genome position (GRCh38, 1-based): chr6:24,843,057, C>T on the plus strand (G>A on the coding strand, the complement: RIPOR2 is on the minus strand). VCF-style: chr6-24843057-C-T. GRCh37 (hg19) VCF-style: chr6-24843285-C-T.
Other names: c.1677G>A, p.Glu559= (NM_001286446.3); c.1575G>A, p.Glu525= (NM_001286447.2, NM_001346031.2, NM_001346032.2 and 1 more transcripts); c.1725G>A, p.Glu575= (NM_014722.5).
Identifiers: ClinVar variation 5039918 (VCV005039918.1).

ClinVar aggregate classification (germline): Likely benign (1 of 4 stars; one submission).

gnomAD v4.1: 5 of 1,613,556 alleles (0.00031%); highest among the groups gnomAD compares: South Asian, 0.0033%; no homozygotes.

Submission:

CeGaT Center for Human Genetics Tuebingen
Classification: Likely benign. Last evaluated: 2026-08-01. Review status: criteria provided, single submitter. Criteria: CeGaT Center For Human Genetics Tuebingen Variant Classification Criteria Version 2. Collection method: clinical testing. Allele origin: germline. Affected: yes. Observed: 1 variant allele.
Comment: RIPOR2: BP4, BP7